The following is an entry in ClinVar:

NM_014915.3(ANKRD26):c.4148G>A (p.Ser1383Asn)

Gene: ANKRD26 (ankyrin repeat domain containing 26; minus strand). Cytogenetic location: 10p12.1.
Variant type: single nucleotide variant.
Coding change: c.4148G>A on transcript NM_014915.3 (MANE Select); coding-DNA position 4148, G replaced by A.
Protein change: p.Ser1383Asn; replaces serine 1383 with asparagine.
Molecular consequence: missense variant.
Genome position (GRCh38, 1-based): chr10:27,022,625, C>T on the plus strand (G>A on the coding strand, the complement: ANKRD26 is on the minus strand). VCF-style: chr10-27022625-C-T. GRCh37 (hg19) VCF-style: chr10-27311554-C-T.
Other names: c.4145G>A, p.Ser1382Asn (NM_001256053.2); short protein forms S1382N, S1383N.
Identifiers: ClinVar variation 3871297 (VCV003871297.1).

ClinVar aggregate classification (germline): Uncertain significance (1 of 4 stars; one submission).

Conditions:
Inborn genetic diseases. Identifiers: MedGen C0950123, MeSH D030342.

gnomAD v4.1: 2 of 1,569,694 alleles (0.00013%); highest among the groups gnomAD compares: African/African-American, 0.0014%; no homozygotes.

Submission:

Ambry Genetics
Classification: Uncertain significance for Inborn genetic diseases. Last evaluated: 2025-02-15. Review status: criteria provided, single submitter. Criteria: Ambry Variant Classification Scheme 2023. Collection method: clinical testing. Allele origin: germline.
Comment: The p.S1383N variant (also known as c.4148G>A), located in coding exon 29 of the ANKRD26 gene, results from a G to A substitution at nucleotide position 4148. The serine at codon 1383 is replaced by asparagine, an amino acid with highly similar properties. This amino acid position is conserved. In addition, this alteration is predicted to be tolerated by in silico analysis. Based on the available evidence, the clinical significance of this variant remains unclear.